The following is an entry in ClinVar:

NM_000701.8(ATP1A1):c.2926G>A (p.Val976Ile)

Genes: ATP1A1 (ATPase Na+/K+ transporting subunit alpha 1; plus strand), ATP1A1-AS1 (ATP1A1 antisense RNA 1; minus strand). Cytogenetic location: 1p13.1.
Variant type: single nucleotide variant.
Coding change: c.2926G>A on transcript NM_000701.8 (MANE Select); coding-DNA position 2926, G replaced by A.
Protein change: p.Val976Ile; replaces valine 976 with isoleucine.
Molecular consequence: missense variant.
Genome position (GRCh38, 1-based): chr1:116,401,630, G>A. VCF-style: chr1-116401630-G-A. GRCh37 (hg19) VCF-style: chr1-116944252-G-A.
Other names: c.2926G>A, p.Val976Ile (NM_001160233.2); c.2833G>A, p.Val945Ile (NM_001160234.2); short protein forms V945I, V976I.
Identifiers: ClinVar variation 2168560 (VCV002168560.4), dbSNP rs760128653, ClinGen allele CA1025663.

ClinVar aggregate classification (germline): Uncertain significance (1 of 4 stars; one submission).

Allele frequency attached by ClinVar (database versions not stated): TOPMed below 0.00001; ExAC 0.00001; gnomAD 0.00001; gnomAD exomes 0.00001.
gnomAD v4.1: 16 of 1,614,098 alleles (0.00099%); highest among the groups gnomAD compares: Admixed American, 0.0017%; no homozygotes.

Submission:

Labcorp Genetics (formerly Invitae), Labcorp
Classification: Uncertain significance. Last evaluated: 2025-09-03. Review status: criteria provided, single submitter. Criteria: Invitae Variant Classification Sherloc (09022015). Collection method: clinical testing. Allele origin: germline.
Comment: This sequence change replaces valine, which is neutral and non-polar, with isoleucine, which is neutral and non-polar, at codon 976 of the ATP1A1 protein (p.Val976Ile). This variant is present in population databases (rs760128653, gnomAD 0.003%). This variant has not been reported in the literature in individuals affected with ATP1A1-related conditions. ClinVar contains an entry for this variant (Variation ID: 2168560). Invitae Evidence Modeling of protein sequence and biophysical properties (such as structural, functional, and spatial information, amino acid conservation, physicochemical variation, residue mobility, and thermodynamic stability) indicates that this missense variant is not expected to disrupt ATP1A1 protein function with a negative predictive value of 95%. In summary, the available evidence is currently insufficient to determine the role of this variant in disease. Therefore, it has been classified as a Variant of Uncertain Significance.